The following is an entry in ClinVar:

ClinVar aggregate classification (germline): Likely benign (1 of 4 stars; one submission).

Conditions:
MATR3-related disorder. Also called: MATR3-related condition.

Submission:

PreventionGenetics, part of Exact Sciences
Classification: Likely benign for MATR3-related condition. Last evaluated: 2025-02-13. Review status: criteria provided, single submitter. Criteria: ACMG Guidelines, 2015. Collection method: clinical testing. Allele origin: germline.
Comment: This variant is classified as likely benign based on ACMG/AMP sequence variant interpretation guidelines (Richards et al. 2015 PMID: 25741868, with internal and published modifications).

NM_018834.6(MATR3):c.417C>T (p.Pro139=)

Gene: MATR3 (matrin 3; plus strand). Cytogenetic location: 5q31.2.
Variant type: single nucleotide variant.
Coding change: c.417C>T on transcript NM_018834.6 (MANE Select); coding-DNA position 417, C replaced by T.
Protein change: p.Pro139=; no amino-acid change (proline 139 retained).
Molecular consequence: synonymous variant. On other transcripts: intron variant (11).
Genome position (GRCh38, 1-based): chr5:139,307,832, C>T. VCF-style: chr5-139307832-C-T. GRCh37 (hg19) VCF-style: chr5-138643521-C-T.
Other names: c.417C>T, p.Pro139= (NM_001194954.2, NM_001194955.2, NM_001400441.1 and 16 more transcripts); c.52-6843C>T (NM_001400459.1); c.-102-6843C>T (NM_001400463.1, NM_001400460.1, NM_001282278.2 and 3 more transcripts); c.-40-7865C>T (NM_001400462.1, NM_001400467.1); c.13-6843C>T (NM_001400461.1); c.49-6843C>T (NM_001194956.2).
Identifiers: ClinVar variation 4986132 (VCV004986132.1).
Genomic context (GRCh38, chr5:139,307,832, plus strand): 5'-TAGAGACTTAGATGAACTGAGTCGTTATCCAGAGGACAAGATTACTCCTGAGAATTTGCC[C>T]CAAATCCTTCTACAGCTTAAAAGGAGGAGAACTGAAGAAGGCCCTACCTTGAGTTATGGT-3'
Protein context (NP_061322.2, residues 129-149): PEDKITPENL[Pro139=]QILLQLKRRR